The following is an entry in ClinVar:

ClinVar aggregate classification (germline): Uncertain significance (1 of 4 stars; one submission).

Conditions:
Atypical hemolytic-uremic syndrome. Identifiers: Orphanet 2134, MedGen C2931788, MONDO:0016244.
Basal laminar drusen. Also called: DRUSEN OF BRUCH MEMBRANE; DRUSEN, CUTICULAR; DRUSEN, EARLY ADULT-ONSET, GROUPED. Identifiers: Orphanet 75376, MedGen C0730295, MONDO:0007472, OMIM 126700.
Factor H deficiency (CFHD). Also called: COMPLEMENT FACTOR H DEFICIENCY; CFH DEFICIENCY. Identifiers: Orphanet 200421, MedGen C0398777, MONDO:0012350, OMIM 609814.
Age related macular degeneration 4. Identifiers: MedGen C1853147, MONDO:0012540, OMIM 610698.

Submission:

Genomenon, Inc
Classification: Uncertain significance for Basal laminar drusen; Age related macular degeneration 4; Atypical hemolytic-uremic syndrome; Factor H deficiency. Last evaluated: 2025-10-02. Review status: criteria provided, single submitter. Criteria: Genomenon Sequence Variant Interpretation Standards - Updated. Collection method: curation. Allele origin: germline. Affected: no.
Comment: CFH c.59-21_59-18T[6] is a duplication variant located in intron 1. This variant has been reported in the published literature (PMID:29567368). It is absent or not present at a significant frequency in gnomAD. In conclusion, we classify CFH c.59-21_59-18T[6] as a variant of uncertain significance.

Literature cited by the submitters: PubMed 29567368.

NM_000186.4(CFH):c.59-19_59-18dup

Gene: CFH (complement factor H; plus strand). Cytogenetic location: 1q31.3.
Variant type: Duplication.
Coding change: c.59-19_59-18dup on transcript NM_000186.4 (MANE Select); 19 bases into the intron before coding-DNA position 59 through 18 bases into the intron before coding-DNA position 59, 2 bases duplicated (TT; older notation c.59-19_59-18dupTT).
Molecular consequence: intron variant.
Genome position (GRCh38, 1-based): chr1:196,672,959-196,672,960, TT duplicated; duplicating any 2 consecutive bases within chr1:196,672,957-196,672,960 gives the same sequence; the c. name uses the placement nearest the transcript's 3' end. VCF-style (leftmost placement, unchanged base first): chr1-196672956-A-ATT. GRCh37 (hg19) VCF-style: chr1-196642086-A-ATT.
Other names: c.59-21_59-18T[6] (NM_000186.4); c.59-19_59-18dup (NM_001014975.3).
Identifiers: ClinVar variation 4291291 (VCV004291291.1).